The following is an entry in ClinVar:

ClinVar aggregate classification (germline): Uncertain significance (0 of 4 stars; one submission).

Allele frequency attached by ClinVar (database versions not stated): gnomAD exomes 0.00001.
gnomAD v4.1: 10 of 1,613,898 alleles (0.00062%); highest among the groups gnomAD compares: East Asian, 0.0022%; no homozygotes.

Submission:

Department of Pathology and Laboratory Medicine, Sinai Health System
Classification: Uncertain significance. Review status: no assertion criteria provided. Collection method: clinical testing. Allele origin: unknown. Affected: yes. Study: The Canadian Open Genetics Repository (COGR).
Comment: The MYO9B p.Ala1383Val variant was not identified in the literature nor was it identified in ClinVar or LOVD 3.0 databases. The variant was identified in dbSNP (ID: rs576521081) and was also found in control databases in 2 of 248878 chromosomes at a frequency of 0.000008 (Genome Aggregation Database Feb 27, 2017). The variant was observed in the following populations: East Asian in 1 of 17976 chromosomes (freq: 0.000056), European (non-Finnish) in 1 of 112732 chromosomes (freq: 0.000009), while the variant was not observed in the African, Latino, Ashkenazi Jewish, European (Finnish), South Asian and other populations. The variant occurs outside of the splicing consensus sequence and 3 out of 4 in silico or computational programs (MaxEntScan, NNSPLICE , SpliceSiteFinder-like) do not predict a greater than 10% difference in splicing.The p.Ala1383 residue is not conserved in mammals and computational analyses (PolyPhen-2, SIFT, AlignGVGD, BLOSUM, MutationTaster) do not suggest a high likelihood of impact to the protein; however, this information is not predictive enough to rule out pathogenicity. In summary, based on the above information the clinical significance of this variant cannot be determined with certainty at this time. This variant is classified as a variant of uncertain significance.

NM_004145.4(MYO9B):c.4148C>T (p.Ala1383Val)

Gene: MYO9B (myosin IXB; plus strand). Cytogenetic location: 19p13.11.
Variant type: single nucleotide variant.
Coding change: c.4148C>T on transcript NM_004145.4 (MANE Select); coding-DNA position 4148, C replaced by T.
Protein change: p.Ala1383Val; replaces alanine 1383 with valine.
Molecular consequence: missense variant.
Genome position (GRCh38, 1-based): chr19:17,198,218, C>T. VCF-style: chr19-17198218-C-T. GRCh37 (hg19) VCF-style: chr19-17309027-C-T.
Other names: c.4148C>T, p.Ala1383Val (NM_001130065.2); short protein forms A1383V.
Identifiers: ClinVar variation 1050030 (VCV001050030.1), dbSNP rs576521081, ClinGen allele CA306061078.